The following is an entry in ClinVar:

ClinVar aggregate classification (germline): Uncertain significance. Review status: criteria provided, multiple submitters, no conflicts (2 of 4 stars). 2 submissions from 2 submitters: Uncertain significance (2). Last evaluated 2025-04-23.

Submissions (2):

Labcorp Genetics (formerly Invitae), Labcorp
Classification: Uncertain significance. Last evaluated: 2025-04-23. Review status: criteria provided, single submitter. Criteria: Invitae Variant Classification Sherloc (09022015). Collection method: clinical testing. Allele origin: germline.
Comment: This sequence change affects a donor splice site in intron 4 of the TNNI3K gene. It is expected to disrupt RNA splicing. Variants that disrupt the donor or acceptor splice site typically lead to a loss of protein function (PMID: 16199547), however the current clinical and genetic evidence is not sufficient to establish whether loss-of-function variants in TNNI3K cause disease. This variant is not present in population databases (gnomAD no frequency). This variant has not been reported in the literature in individuals affected with TNNI3K-related conditions. ClinVar contains an entry for this variant (Variation ID: 2504852). Algorithms developed to predict the effect of sequence changes on RNA splicing suggest that this variant may disrupt the consensus splice site. In summary, the available evidence is currently insufficient to determine the role of this variant in disease. Therefore, it has been classified as a Variant of Uncertain Significance.

GeneDx
Classification: Uncertain significance. Last evaluated: 2022-12-08. Review status: criteria provided, single submitter. Criteria: GeneDx Variant Classification Process June 2021. Collection method: clinical testing. Allele origin: germline. Affected: yes.
Comment: Not observed at significant frequency in large population cohorts (gnomAD); Canonical splice site variant in a gene or region of a gene for which loss of function is not a well-established mechanism of disease; Has not been previously published as pathogenic or benign to our knowledge

Literature cited by the submitters: PubMed 16199547 (cited by Labcorp Genetics (formerly Invitae), Labcorp).

NM_015978.3(TNNI3K):c.333+1G>A

Genes: FPGT-TNNI3K (FPGT-TNNI3K readthrough; plus strand), TNNI3K (TNNI3 interacting kinase; plus strand). Cytogenetic location: 1p31.1.
Variant type: single nucleotide variant.
Coding change: c.333+1G>A on transcript NM_015978.3 (MANE Select); the canonical splice donor site of the intron after coding-DNA position 333, G replaced by A.
Molecular consequence: splice donor variant.
Genome position (GRCh38, 1-based): chr1:74,250,770, G>A. VCF-style: chr1-74250770-G-A. GRCh37 (hg19) VCF-style: chr1-74716454-G-A.
Other names: c.636+1G>A (NM_001112808.3, NM_001199327.2).
Identifiers: ClinVar variation 2504852 (VCV002504852.2), dbSNP rs2524369715, ClinGen allele CA340788267.